The following is an entry in ClinVar:

NM_000243.3(MEFV):c.1198C>G (p.Leu400Val)

Gene: MEFV (MEFV innate immunity regulator, pyrin; minus strand). Cytogenetic location: 16p13.3.
Variant type: single nucleotide variant.
Coding change: c.1198C>G on transcript NM_000243.3 (MANE Select); coding-DNA position 1198, C replaced by G.
Protein change: p.Leu400Val; replaces leucine 400 with valine.
Molecular consequence: missense variant.
Genome position (GRCh38, 1-based): chr16:3,249,493, G>C on the plus strand (C>G on the coding strand, the complement: MEFV is on the minus strand). VCF-style: chr16-3249493-G-C. GRCh37 (hg19) VCF-style: chr16-3299493-G-C.
Other names: c.565C>G, p.Leu189Val (NM_001198536.2); short protein forms L189V, L400V.
Identifiers: ClinVar variation 3767827 (VCV003767827.1).

ClinVar aggregate classification (germline): Uncertain significance (1 of 4 stars; one submission).

Submission:

GeneDx
Classification: Uncertain significance. Last evaluated: 2024-09-04. Review status: criteria provided, single submitter. Criteria: GeneDx Variant Classification Process June 2021. Collection method: clinical testing. Allele origin: germline. Affected: yes.
Comment: Not observed at significant frequency in large population cohorts (gnomAD); In silico analysis indicates that this missense variant does not alter protein structure/function; Has not been previously published as pathogenic or benign to our knowledge